The following is an entry in ClinVar:

ClinVar aggregate classification (germline): Uncertain significance (1 of 4 stars; one submission).

Conditions:
SLC35A2-congenital disorder of glycosylation. Also called: CONGENITAL DISORDER OF GLYCOSYLATION, TYPE IIm, SOMATIC MOSAIC; SLC35A2-CDG; CONGENITAL DISORDER OF GLYCOSYLATION, TYPE IIm; CDG IIm; DEVELOPMENTAL AND EPILEPTIC ENCEPHALOPATHY 22; EPILEPTIC ENCEPHALOPATHY, EARLY INFANTILE, 22. Identifiers: Orphanet 356961, MedGen C3806688, MONDO:0010478, OMIM 300896.

Allele frequency attached by ClinVar (database versions not stated): gnomAD exomes below 0.00001.
gnomAD v4.1: 2 of 1,209,715 alleles (0.00017%); highest among the groups gnomAD compares: Non-Finnish European, 0.00022%; no homozygotes.

Submission:

Labcorp Genetics (formerly Invitae), Labcorp
Classification: Uncertain significance for SLC35A2-congenital disorder of glycosylation. Last evaluated: 2022-08-31. Review status: criteria provided, single submitter. Criteria: Invitae Variant Classification Sherloc (09022015). Collection method: clinical testing. Allele origin: germline.
Comment: This sequence change replaces alanine, which is neutral and non-polar, with threonine, which is neutral and polar, at codon 253 of the SLC35A2 protein (p.Ala253Thr). This variant is not present in population databases (gnomAD no frequency). This variant has not been reported in the literature in individuals affected with SLC35A2-related conditions. Algorithms developed to predict the effect of missense changes on protein structure and function (SIFT, PolyPhen-2, Align-GVGD) all suggest that this variant is likely to be tolerated. In summary, the available evidence is currently insufficient to determine the role of this variant in disease. Therefore, it has been classified as a Variant of Uncertain Significance.

NM_005660.3(SLC35A2):c.757G>A (p.Ala253Thr)

Gene: SLC35A2 (solute carrier family 35 member A2; minus strand). Cytogenetic location: Xp11.23.
Variant type: single nucleotide variant.
Coding change: c.757G>A on transcript NM_005660.3 (MANE Select); coding-DNA position 757, G replaced by A.
Protein change: p.Ala253Thr; replaces alanine 253 with threonine.
Molecular consequence: missense variant. On other transcripts: intron variant (3).
Genome position (GRCh38, 1-based): chrX:48,905,152, C>T on the plus strand (G>A on the coding strand, the complement: SLC35A2 is on the minus strand). VCF-style: chrX-48905152-C-T. GRCh37 (hg19) VCF-style: chrX-48762429-C-T.
Other names: c.757G>A, p.Ala253Thr (NM_001042498.3); c.574G>A, p.Ala192Thr (NM_001282649.2); c.796G>A, p.Ala266Thr (NM_001282650.2); c.841G>A, p.Ala281Thr (NM_001282651.2); c.427-260G>A (NM_001282647.2, NM_001032289.3); c.355-260G>A (NM_001282648.2); short protein forms A266T, A253T, A281T, A192T.
Identifiers: ClinVar variation 2007996 (VCV002007996.4), dbSNP rs2519645626, ClinGen allele CA412895284.